The following is an entry in ClinVar:

ClinVar aggregate classification (germline): Uncertain significance (1 of 4 stars; one submission).

Allele frequency attached by ClinVar (database versions not stated): TOPMed below 0.00001; gnomAD 0.00001; gnomAD exomes 0.00002; ExAC 0.00007; 1000 Genomes Project 30x 0.00016; 1000 Genomes Project 0.00020.
gnomAD v4.1: 23 of 1,611,692 alleles (0.0014%); highest among the groups gnomAD compares: South Asian, 0.019%; 1 homozygote.

Submission:

Labcorp Genetics (formerly Invitae), Labcorp
Classification: Uncertain significance. Last evaluated: 2024-06-04. Review status: criteria provided, single submitter. Criteria: Invitae Variant Classification Sherloc (09022015). Collection method: clinical testing. Allele origin: germline.
Comment: This sequence change replaces aspartic acid, which is acidic and polar, with asparagine, which is neutral and polar, at codon 210 of the ASRGL1 protein (p.Asp210Asn). This variant is present in population databases (rs548516214, gnomAD 0.01%). This variant has not been reported in the literature in individuals affected with ASRGL1-related conditions. ClinVar contains an entry for this variant (Variation ID: 1487705). An algorithm developed to predict the effect of missense changes on protein structure and function (PolyPhen-2) suggests that this variant is likely to be disruptive. In summary, the available evidence is currently insufficient to determine the role of this variant in disease. Therefore, it has been classified as a Variant of Uncertain Significance.

NM_001083926.2(ASRGL1):c.628G>A (p.Asp210Asn)

Gene: ASRGL1 (asparaginase and isoaspartyl peptidase 1; plus strand). Cytogenetic location: 11q12.3.
Variant type: single nucleotide variant.
Coding change: c.628G>A on transcript NM_001083926.2 (MANE Select); coding-DNA position 628, G replaced by A.
Protein change: p.Asp210Asn; replaces aspartic acid 210 with asparagine.
Molecular consequence: missense variant.
Genome position (GRCh38, 1-based): chr11:62,391,539, G>A. VCF-style: chr11-62391539-G-A. GRCh37 (hg19) VCF-style: chr11-62159011-G-A.
Other names: c.628G>A, p.Asp210Asn (NM_025080.4); short protein forms D210N.
Identifiers: ClinVar variation 1487705 (VCV001487705.8), dbSNP rs548516214, ClinGen allele CA6043296.